The following is an entry in ClinVar:

NM_006009.4(TUBA1A):c.1007A>G (p.Lys336Arg)

Gene: TUBA1A (tubulin alpha 1a; minus strand). Cytogenetic location: 12q13.12.
Variant type: single nucleotide variant.
Coding change: c.1007A>G on transcript NM_006009.4 (MANE Select); coding-DNA position 1007, A replaced by G.
Protein change: p.Lys336Arg; replaces lysine 336 with arginine.
Molecular consequence: missense variant.
Genome position (GRCh38, 1-based): chr12:49,185,359, T>C on the plus strand (A>G on the coding strand, the complement: TUBA1A is on the minus strand). VCF-style: chr12-49185359-T-C. GRCh37 (hg19) VCF-style: chr12-49579142-T-C.
Other names: c.1007A>G, p.Lys336Arg (NM_001270399.2); c.902A>G, p.Lys301Arg (NM_001270400.2); short protein forms K336R, K301R.
Identifiers: ClinVar variation 4279706 (VCV004279706.2), dbSNP rs1565627040.

ClinVar aggregate classification (germline): Likely pathogenic (1 of 4 stars; one submission).

Conditions:
Lissencephaly due to TUBA1A mutation (CDCBM16). Also called: CORTICAL DYSPLASIA, COMPLEX, WITH OTHER BRAIN MALFORMATIONS 16; Lissencephaly 3. Identifiers: Orphanet 171680, MedGen C4305153, MONDO:0012703, OMIM 611603.

Submission:

Daryl Scott Lab, Baylor College of Medicine
Classification: Likely pathogenic for Lissencephaly due to TUBA1A mutation. Last evaluated: 2025-08-25. Review status: criteria provided, single submitter. Criteria: ACMG Guidelines, 2015. Collection method: clinical testing. Allele origin: de novo. Affected: yes. Observed: 1 heterozygote.
Comment: PS2, PM2, PP3